The following is an entry in ClinVar:

NM_001278431.2(C1QTNF5):c.5G>A (p.Arg2Lys)

Genes: C1QTNF5 (C1q and TNF related 5; minus strand), MFRP (membrane frizzled-related protein; minus strand). Cytogenetic location: 11q23.3.
Variant type: single nucleotide variant.
Coding change: c.5G>A on transcript NM_001278431.2 (MANE Select); coding-DNA position 5, G replaced by A.
Protein change: p.Arg2Lys; replaces arginine 2 with lysine.
Molecular consequence: missense variant. On other transcripts: 3 prime UTR variant (1).
Genome position (GRCh38, 1-based): chr11:119,340,393, C>T on the plus strand (G>A on the coding strand, the complement: C1QTNF5 is on the minus strand). VCF-style: chr11-119340393-C-T. GRCh37 (hg19) VCF-style: chr11-119211103-C-T.
Other names: c.5G>A, p.Arg2Lys (NM_015645.5); c.*901G>A (NM_031433.4); short protein forms R2K.
Identifiers: ClinVar variation 2805995 (VCV002805995.3), dbSNP rs1775786574, ClinGen allele CA382971180.

ClinVar aggregate classification (germline): Uncertain significance (1 of 4 stars; one submission).

Allele frequency attached by ClinVar (database versions not stated): gnomAD exomes below 0.00001.
gnomAD v4.1: 1 of 1,545,116 alleles (0.000065%); highest among the groups gnomAD compares: Non-Finnish European, 0.000087%; no homozygotes.

Submission:

Labcorp Genetics (formerly Invitae), Labcorp
Classification: Uncertain significance. Last evaluated: 2023-10-22. Review status: criteria provided, single submitter. Criteria: Invitae Variant Classification Sherloc (09022015). Collection method: clinical testing. Allele origin: germline.
Comment: This sequence change replaces arginine, which is basic and polar, with lysine, which is basic and polar, at codon 2 of the C1QTNF5 protein (p.Arg2Lys). This variant is not present in population databases (gnomAD no frequency). This variant has not been reported in the literature in individuals affected with C1QTNF5-related conditions. Experimental studies and prediction algorithms are not available or were not evaluated, and the functional significance of this variant is currently unknown. In summary, the available evidence is currently insufficient to determine the role of this variant in disease. Therefore, it has been classified as a Variant of Uncertain Significance.